The following is an entry in ClinVar:

NM_001376.5(DYNC1H1):c.2463G>A (p.Ala821=)

Gene: DYNC1H1 (dynein cytoplasmic 1 heavy chain 1; plus strand). Cytogenetic location: 14q32.31.
Variant type: single nucleotide variant.
Coding change: c.2463G>A on transcript NM_001376.5 (MANE Select); coding-DNA position 2463, G replaced by A.
Protein change: p.Ala821=; no amino-acid change (alanine 821 retained).
Molecular consequence: synonymous variant.
Genome position (GRCh38, 1-based): chr14:101,986,688, G>A. VCF-style: chr14-101986688-G-A. GRCh37 (hg19) VCF-style: chr14-102453025-G-A.
Identifiers: ClinVar variation 390768 (VCV000390768.9), dbSNP rs764740993, ClinGen allele CA7351822.
Genomic context (GRCh38, chr14:101,986,688, plus strand): 5'-TTCCCTTTTGGTGGCTGGCTTGAAAAAGGAAGTGCAGGCCCTGATCGCAGAAGGCATTGC[G>A]TTGGTGTGGGAGTCCTACAAACTTGACCCATATGTACAGCGCTTAGCAGAGACTGTCTTC-3'
Protein context (NP_001367.2, residues 811-831): EVQALIAEGI[Ala821=]LVWESYKLDP

ClinVar aggregate classification (germline): Likely benign. Review status: criteria provided, multiple submitters, no conflicts (2 of 4 stars). 3 submissions from 3 submitters: Likely benign (3). Last evaluated 2026-06-17.

Conditions:
DYNC1H1-related disorder. Also called: DYNC1H1-related condition; DYNC1H1-related disorders. Identifiers: MedGen CN381529.
Charcot-Marie-Tooth disease axonal type 2O. Also called: Charcot-Marie-Tooth disease, axonal, type 20; Charcot-Marie-Tooth Neuropathy Type 2O; CHARCOT-MARIE-TOOTH NEUROPATHY, AXONAL, TYPE 2O; CHARCOT-MARIE-TOOTH DISEASE, AXONAL, AUTOSOMAL DOMINANT, TYPE 2O. Identifiers: Orphanet 284232, MedGen C3280220, MONDO:0013644, OMIM 614228.

Allele frequency attached by ClinVar (database versions not stated): gnomAD 0.00001; TOPMed 0.00002; gnomAD exomes 0.00003; ExAC 0.00005.
gnomAD v4.1: 46 of 1,614,062 alleles (0.0028%); highest among the groups gnomAD compares: South Asian, 0.0066%; no homozygotes.

Submissions (3):

PreventionGenetics, part of Exact Sciences
Classification: Likely benign for DYNC1H1-related condition. Last evaluated: 2026-06-17. Review status: criteria provided, single submitter. Criteria: ACMG Guidelines, 2015. Collection method: clinical testing. Allele origin: germline.
Comment: This variant is classified as likely benign based on ACMG/AMP sequence variant interpretation guidelines (Richards et al. 2015 PMID: 25741868, with internal and published modifications).

Labcorp Genetics (formerly Invitae), Labcorp
Classification: Likely benign for Charcot-Marie-Tooth disease axonal type 2O. Last evaluated: 2025-03-31. Review status: criteria provided, single submitter. Criteria: Invitae Variant Classification Sherloc (09022015). Collection method: clinical testing. Allele origin: germline.

GeneDx
Classification: Likely benign. Last evaluated: 2016-11-04. Review status: criteria provided, single submitter. Criteria: GeneDx Variant Classification (06012015). Collection method: clinical testing. Allele origin: germline. Affected: yes.
Comment: This variant is considered likely benign or benign based on one or more of the following criteria: it is a conservative change, it occurs at a poorly conserved position in the protein, it is predicted to be benign by multiple in silico algorithms, and/or has population frequency not consistent with disease.